The following is an entry in ClinVar:

ClinVar aggregate classification (germline): Benign. Review status: criteria provided, multiple submitters, no conflicts (2 of 4 stars). 9 submissions from 9 submitters: Benign (9). Last evaluated 2026-01-21.

Conditions:
Leukocyte adhesion deficiency type II. Also called: CONGENITAL DISORDER OF GLYCOSYLATION, TYPE IIc; CDG IIc; Congenital disorder of glycosylation type 2C; CDG 2C; Leukocyte adhesion deficiency type 2; Rambam Hasharon syndrome. Identifiers: Orphanet 2968, Orphanet 99843, MedGen C0398739, MONDO:0009953, OMIM 266265.

Allele frequency attached by ClinVar (database versions not stated): gnomAD exomes 0.20279; ExAC 0.21137; 1000 Genomes Project 0.25000; 1000 Genomes Project 30x 0.25484; TOPMed 0.26084; gnomAD 0.26347 and 0.27016; ESP Exome Variant Server 0.27691.
gnomAD v4.1: 345,572 of 1,612,660 alleles (21%); highest among the groups gnomAD compares: African/African-American, 42%; 39,757 homozygotes.

Submissions (9):

Women's Health and Genetics/Laboratory Corporation of America, LabCorp
Classification: Benign. Last evaluated: 2026-01-21. Review status: criteria provided, single submitter. Criteria: LabCorp Variant Classification Summary - May 2015. Collection method: clinical testing. Allele origin: germline.

Mayo Clinic Laboratories, Mayo Clinic
Classification: Benign. Last evaluated: 2022-09-06. Review status: criteria provided, single submitter. Criteria: ACMG Guidelines, 2015. Collection method: clinical testing. Allele origin: germline. Observed: 18 variant alleles.

Genome-Nilou Lab
Classification: Benign for Leukocyte adhesion deficiency type II. Last evaluated: 2021-07-15. Review status: criteria provided, single submitter. Criteria: ACMG Guidelines, 2015. Collection method: clinical testing. Allele origin: germline. Affected: no.

Illumina Laboratory Services, Illumina
Classification: Benign for Leukocyte adhesion deficiency type II. Last evaluated: 2018-01-13. Review status: criteria provided, single submitter. Criteria: ICSL Variant Classification Criteria 13 December 2019. Collection method: clinical testing. Allele origin: germline.
Comment: This variant was observed in the ICSL laboratory as part of a predisposition screen in an ostensibly healthy population. It had not been previously curated by ICSL or reported in the Human Gene Mutation Database (HGMD: prior to June 1st, 2018), and was therefore a candidate for classification through an automated scoring system. Utilizing variant allele frequency, disease prevalence and penetrance estimates, and inheritance mode, an automated score was calculated to assess if this variant is too frequent to cause the disease. Based on the score and internal cut-off values, a variant classified as benign is not then subjected to further curation. The score for this variant resulted in a classification of benign for this disease.

Laboratory for Molecular Medicine, Mass General Brigham Personalized Medicine
Classification: Benign. Last evaluated: 2016-03-28. Review status: criteria provided, single submitter. Criteria: LMM Criteria. Collection method: clinical testing. Allele origin: germline.
Comment: Variant identified in a genome or exome case(s) and assessed due to predicted null impact of the variant or pathogenic assertions in the literature or databases. Disclaimer: This variant has not undergone full assessment. The following are preliminary notes: Frequency

GeneDx
Classification: Benign. Last evaluated: 2016-01-20. Review status: criteria provided, single submitter. Criteria: GeneDx Variant Classification (06012015). Collection method: clinical testing. Allele origin: germline. Affected: yes.
Comment: This variant is considered likely benign or benign based on one or more of the following criteria: it is a conservative change, it occurs at a poorly conserved position in the protein, it is predicted to be benign by multiple in silico algorithms, and/or has population frequency not consistent with disease.

Eurofins Ntd Llc (ga)
Classification: Benign. Last evaluated: 2012-10-04. Review status: criteria provided, single submitter. Criteria: EGL Classification Definitions 2015. Collection method: clinical testing. Allele origin: germline. Observed: 16 variant alleles, 13 heterozygotes, 3 homozygotes.

Breakthrough Genomics
Classification: Benign. Review status: criteria provided, single submitter. Criteria: ACMG Guidelines, 2015. Collection method: not provided. Allele origin: germline. Inheritance: Autosomal recessive inheritance. Affected: yes.

PreventionGenetics, part of Exact Sciences
Classification: Benign. Review status: criteria provided, single submitter. Criteria: ACMG Guidelines, 2015. Collection method: clinical testing. Allele origin: germline.

NM_018389.5(SLC35C1):c.-3A>G

Gene: SLC35C1 (solute carrier family 35 member C1; plus strand). Cytogenetic location: 11p11.2.
Variant type: single nucleotide variant.
Coding change: c.-3A>G on transcript NM_018389.5 (MANE Select); 3 bases upstream of the start codon, A replaced by G.
Molecular consequence: 5 prime UTR variant. On other transcripts: intron variant (3).
Genome position (GRCh38, 1-based): chr11:45,805,799, A>G. VCF-style: chr11-45805799-A-G. GRCh37 (hg19) VCF-style: chr11-45827350-A-G.
Other names: c.-3A>G (NM_001425155.1); c.-31-11A>G (NM_001145266.2, NM_001145265.2, NM_001425156.1).
Identifiers: ClinVar variation 95903 (VCV000095903.18), dbSNP rs3808976, ClinGen allele CA149020.